The following is an entry in ClinVar:

ClinVar aggregate classification (germline): Pathogenic (1 of 4 stars; one submission).

Submission:

Labcorp Genetics (formerly Invitae), Labcorp
Classification: Pathogenic. Last evaluated: 2024-10-22. Review status: criteria provided, single submitter. Criteria: Invitae Variant Classification Sherloc (09022015). Collection method: clinical testing. Allele origin: germline.
Comment: This sequence change creates a premature translational stop signal (p.Ser245*) in the SERPINF1 gene. It is expected to result in an absent or disrupted protein product. Loss-of-function variants in SERPINF1 are known to be pathogenic (PMID: 21353196, 21826736). This variant is not present in population databases (gnomAD no frequency). This variant has not been reported in the literature in individuals affected with SERPINF1-related conditions. ClinVar contains an entry for this variant (Variation ID: 2058617). For these reasons, this variant has been classified as Pathogenic.

Literature cited by the submitters: PubMed 21353196; PubMed 21826736.

NM_002615.7(SERPINF1):c.734C>A (p.Ser245Ter)

Gene: SERPINF1 (serpin family F member 1; plus strand). Cytogenetic location: 17p13.3.
Variant type: single nucleotide variant.
Coding change: c.734C>A on transcript NM_002615.7 (MANE Select); coding-DNA position 734, C replaced by A.
Protein change: p.Ser245Ter; replaces serine 245 with a stop codon.
Molecular consequence: nonsense.
Genome position (GRCh38, 1-based): chr17:1,775,148, C>A. VCF-style: chr17-1775148-C-A. GRCh37 (hg19) VCF-style: chr17-1678442-C-A.
Other names: c.734C>A, p.Ser245Ter (NM_001329903.2); c.173C>A, p.Ser58Ter (NM_001329904.2, NM_001329905.2); short protein forms S245*, S58*.
Identifiers: ClinVar variation 2058617 (VCV002058617.4), dbSNP rs374677194, ClinGen allele CA397589114.